The following is an entry in ClinVar:

ClinVar aggregate classification (germline): Uncertain significance (1 of 4 stars; one submission).

Allele frequency attached by ClinVar (database versions not stated): TOPMed below 0.00001; gnomAD 0.00001; gnomAD exomes 0.00001.
gnomAD v4.1: 7 of 1,614,040 alleles (0.00043%); highest among the groups gnomAD compares: Middle Eastern, 0.016%; no homozygotes.

Submission:

Labcorp Genetics (formerly Invitae), Labcorp
Classification: Uncertain significance. Last evaluated: 2021-12-17. Review status: criteria provided, single submitter. Criteria: Invitae Variant Classification Sherloc (09022015). Collection method: clinical testing. Allele origin: germline.
Comment: In summary, the available evidence is currently insufficient to determine the role of this variant in disease. Therefore, it has been classified as a Variant of Uncertain Significance. Algorithms developed to predict the effect of missense changes on protein structure and function are either unavailable or do not agree on the potential impact of this missense change (SIFT: "Tolerated"; PolyPhen-2: "Possibly Damaging"; Align-GVGD: "Class C0"). This variant has not been reported in the literature in individuals affected with EFNA4-related conditions. This variant is not present in population databases (gnomAD no frequency). This sequence change replaces serine, which is neutral and polar, with proline, which is neutral and non-polar, at codon 109 of the EFNA4 protein (p.Ser109Pro).

NM_005227.3(EFNA4):c.325T>C (p.Ser109Pro)

Genes: ADAM15-EFNA4 (ADAM15-EFNA4 readthrough; plus strand), EFNA4 (ephrin A4; plus strand), EFNA4-EFNA3 (EFNA4-EFNA3 readthrough; plus strand). Cytogenetic location: 1q21.3.
Variant type: single nucleotide variant.
Coding change: c.325T>C on transcript NM_005227.3 (MANE Select); coding-DNA position 325, T replaced by C.
Protein change: p.Ser109Pro; replaces serine 109 with proline.
Molecular consequence: missense variant.
Genome position (GRCh38, 1-based): chr1:155,066,941, T>C. VCF-style: chr1-155066941-T-C. GRCh37 (hg19) VCF-style: chr1-155039417-T-C.
Other names: c.97T>C, p.Ser33Pro (NM_001406810.1); c.325T>C, p.Ser109Pro (NM_182689.2, NM_182690.3); short protein forms S109P, S33P.
Identifiers: ClinVar variation 1957806 (VCV001957806.5), dbSNP rs1663064781, ClinGen allele CA342648864.
Genomic context (GRCh38, chr1:155,066,941, plus strand): 5'-GAGGGCCCCCGGGCCTACAAGCGCTGGGTGTGCTCCCTGCCCTTTGGCCATGTTCAATTC[T>C]CAGAGAAGATTCAGCGCTTCACACCCTTCTCCCTCGGCTTTGAGTTCTTACCTGGAGAGA-3'
Protein context (NP_005218.1, residues 99-119): CSLPFGHVQF[Ser109Pro]EKIQRFTPFS